The following is an entry in ClinVar:

ClinVar aggregate classification (germline): Uncertain significance (1 of 4 stars; one submission).

Submission:

Labcorp Genetics (formerly Invitae), Labcorp
Classification: Uncertain significance. Last evaluated: 2023-09-30. Review status: criteria provided, single submitter. Criteria: Invitae Variant Classification Sherloc (09022015). Collection method: clinical testing. Allele origin: unknown.
Comment: In summary, the available evidence is currently insufficient to determine the role of this variant in disease. Therefore, it has been classified as a Variant of Uncertain Significance. This variant has not been reported in the literature in individuals affected with PAX4-related conditions. A gross deletion of the genomic region encompassing the full coding sequence of the PAX4 gene has been identified. The current clinical and genetic evidence is not sufficient to establish whether loss-of-function variants in PAX4 cause disease. The boundaries of this event are unknown as they extend beyond the assayed region for this gene and therefore may encompass additional genes.

NC_000007.13:g.(?_127251118)_(127255574_?)del

Gene: PAX4 (paired box 4; minus strand). Cytogenetic location: 7q32.1.
Variant type: Deletion.
Identifiers: ClinVar variation 3245898 (VCV003245898.1).